The following is an entry in ClinVar:

NM_001393769.1(MED12L):c.6008A>G (p.Asn2003Ser)

Gene: MED12L (mediator complex subunit 12L; plus strand). Cytogenetic location: 3q25.1.
Variant type: single nucleotide variant.
Coding change: c.6008A>G on transcript NM_001393769.1 (MANE Select); coding-DNA position 6008, A replaced by G.
Protein change: p.Asn2003Ser; replaces asparagine 2003 with serine.
Molecular consequence: missense variant.
Genome position (GRCh38, 1-based): chr3:151,411,375, A>G. VCF-style: chr3-151411375-A-G. GRCh37 (hg19) VCF-style: chr3-151129163-A-G.
Other names: c.5903A>G, p.Asn1968Ser (NM_053002.6); short protein forms N1968S, N2003S.
Identifiers: ClinVar variation 5037273 (VCV005037273.1).

ClinVar aggregate classification (germline): Uncertain significance (1 of 4 stars; one submission).

Submission:

GeneDx
Classification: Uncertain significance. Last evaluated: 2026-04-15. Review status: criteria provided, single submitter. Criteria: GeneDx Variant Classification Process June 2021. Collection method: clinical testing. Allele origin: germline.
Comment: Not observed at significant frequency in large population cohorts (gnomAD); In silico analysis suggests that this missense variant does not alter protein structure/function; Has not been previously published as pathogenic or benign to our knowledge